The following is an entry in ClinVar:

ClinVar aggregate classification (germline): Uncertain significance (1 of 4 stars; one submission).

Conditions:
Carnitine acylcarnitine translocase deficiency (CACTD). Identifiers: Orphanet 159, MedGen C0342791, MONDO:0008918, OMIM 212138.

gnomAD v4.1: 1 of 1,613,936 alleles (0.000062%); highest among the groups gnomAD compares: African/African-American, 0.0013%; no homozygotes.

Submission:

Labcorp Genetics (formerly Invitae), Labcorp
Classification: Uncertain significance for Carnitine acylcarnitine translocase deficiency. Last evaluated: 2024-03-16. Review status: criteria provided, single submitter. Criteria: Invitae Variant Classification Sherloc (09022015). Collection method: clinical testing. Allele origin: germline.
Comment: This sequence change replaces isoleucine, which is neutral and non-polar, with threonine, which is neutral and polar, at codon 196 of the SLC25A20 protein (p.Ile196Thr). This variant is not present in population databases (gnomAD no frequency). This variant has not been reported in the literature in individuals affected with SLC25A20-related conditions. Advanced modeling of protein sequence and biophysical properties (such as structural, functional, and spatial information, amino acid conservation, physicochemical variation, residue mobility, and thermodynamic stability) performed at Invitae indicates that this missense variant is not expected to disrupt SLC25A20 protein function with a negative predictive value of 80%. In summary, the available evidence is currently insufficient to determine the role of this variant in disease. Therefore, it has been classified as a Variant of Uncertain Significance.

NM_000387.6(SLC25A20):c.587T>C (p.Ile196Thr)

Gene: SLC25A20 (solute carrier family 25 member 20; minus strand). Cytogenetic location: 3p21.31.
Variant type: single nucleotide variant.
Coding change: c.587T>C on transcript NM_000387.6 (MANE Select); coding-DNA position 587, T replaced by C.
Protein change: p.Ile196Thr; replaces isoleucine 196 with threonine.
Molecular consequence: missense variant.
Genome position (GRCh38, 1-based): chr3:48,859,576, A>G on the plus strand (T>C on the coding strand, the complement: SLC25A20 is on the minus strand). VCF-style: chr3-48859576-A-G. GRCh37 (hg19) VCF-style: chr3-48897009-A-G.
Other names: short protein forms I196T.
Identifiers: ClinVar variation 3603616 (VCV003603616.2).
Genomic context (GRCh38, chr3:48,859,576, plus strand): 5'-TGACTGGGGAAAGTGGCTTCCAAGTTATGTTTTCCTCACCTCTTTCCCTCCGGAGTGAAG[A>G]TATTTTTCAGCCATTCATATGTCATGAAATACATTCCACTAGCTGGGACATCTGTTAGTG-3'
Protein context (NP_000378.1, residues 186-206): YFMTYEWLKN[Ile196Thr]FTPEGKRVSE